The following is an entry in ClinVar:

NM_018055.5(NODAL):c.211C>A (p.Gln71Lys)

Gene: NODAL (nodal growth differentiation factor; minus strand). Cytogenetic location: 10q22.1.
Variant type: single nucleotide variant.
Coding change: c.211C>A on transcript NM_018055.5 (MANE Select); coding-DNA position 211, C replaced by A.
Protein change: p.Gln71Lys; replaces glutamine 71 with lysine.
Molecular consequence: missense variant. On other transcripts: 5 prime UTR variant (1).
Genome position (GRCh38, 1-based): chr10:70,435,966, G>T on the plus strand (C>A on the coding strand, the complement: NODAL is on the minus strand). VCF-style: chr10-70435966-G-T. GRCh37 (hg19) VCF-style: chr10-72195722-G-T.
Other names: c.-189C>A (NM_001329906.2); short protein forms Q71K.
Identifiers: ClinVar variation 1434807 (VCV001434807.8), dbSNP rs748403461, ClinGen allele CA5537639.

ClinVar aggregate classification (germline): Uncertain significance (1 of 4 stars; one submission).

Conditions:
Heterotaxy, visceral, 5, autosomal (HTX5). Also called: Heterotaxy, visceral, 5. Identifiers: Orphanet 450, MedGen C3495537, MONDO:0700112, OMIM 270100.

Allele frequency attached by ClinVar (database versions not stated): gnomAD exomes below 0.00001 and 0.00001; ExAC 0.00001; gnomAD 0.00001; TOPMed 0.00001.
gnomAD v4.1: 13 of 1,614,008 alleles (0.00081%); highest among the groups gnomAD compares: Middle Eastern, 0.033%; no homozygotes.

Submission:

Labcorp Genetics (formerly Invitae), Labcorp
Classification: Uncertain significance for Heterotaxy, visceral, 5, autosomal. Last evaluated: 2024-11-11. Review status: criteria provided, single submitter. Criteria: Invitae Variant Classification Sherloc (09022015). Collection method: clinical testing. Allele origin: germline.
Comment: This sequence change replaces glutamine, which is neutral and polar, with lysine, which is basic and polar, at codon 71 of the NODAL protein (p.Gln71Lys). This variant is present in population databases (rs748403461, gnomAD 0.0009%). This variant has not been reported in the literature in individuals affected with NODAL-related conditions. ClinVar contains an entry for this variant (Variation ID: 1434807). Invitae Evidence Modeling of protein sequence and biophysical properties (such as structural, functional, and spatial information, amino acid conservation, physicochemical variation, residue mobility, and thermodynamic stability) indicates that this missense variant is not expected to disrupt NODAL protein function with a negative predictive value of 80%. In summary, the available evidence is currently insufficient to determine the role of this variant in disease. Therefore, it has been classified as a Variant of Uncertain Significance.